The following is an entry in ClinVar:

ClinVar aggregate classification (germline): Benign. Review status: criteria provided, multiple submitters, no conflicts (2 of 4 stars). 6 submissions from 6 submitters: Benign (5). 1 of the submissions does not count toward it. Last evaluated 2026-02-02.

Conditions:
Combined oxidative phosphorylation defect type 20. Also called: Combined oxidative phosphorylation deficiency 20. Identifiers: Orphanet 420728, MedGen C4014660, MONDO:0014397, OMIM 615917.

Allele frequency attached by ClinVar (database versions not stated): 1000 Genomes Project 30x 0.22064; 1000 Genomes Project 0.22204; TOPMed 0.26290; gnomAD 0.27888 and 0.27982; ESP Exome Variant Server 0.29400; gnomAD exomes 0.31613; ExAC 0.32401.
gnomAD v4.1: 537,951 of 1,611,656 alleles (33%); highest among the groups gnomAD compares: Non-Finnish European, 36%; 93,509 homozygotes.

Submissions (20):

Labcorp Genetics (formerly Invitae), Labcorp
Classification: Benign. Last evaluated: 2026-02-02. Review status: criteria provided, single submitter. Criteria: Invitae Variant Classification Sherloc (09022015). Collection method: clinical testing. Allele origin: germline.

Blueprint Genetics
Classification: Benign. Last evaluated: 2024-11-27. Review status: criteria provided, single submitter. Criteria: ACMG Guidelines, 2015. Collection method: clinical testing. Allele origin: germline.

Unidad de Genómica Garrahan, Hospital de Pediatría Garrahan
Classification: Benign. Last evaluated: 2024-07-31. Review status: criteria provided, single submitter. Criteria: ACMG Guidelines, 2015. Collection method: clinical testing. Allele origin: germline. Affected: no. Observed: 47 variant alleles.
Comment: This variant is classified as Benign based on local population frequency. This variant was detected in 51% of patients studied in a panel designed for Epileptic and Developmental Encephalopathy, Progressive Myoclonus Epilepsy and Abnormal Movements and Neurodegeneration with brain iron accumulation. Number of patients: 47. Only high quality variants are reported.

Mendelics
Classification: Benign for Combined oxidative phosphorylation defect type 20. Last evaluated: 2019-05-28. Review status: criteria provided, single submitter. Criteria: Mendelics Assertion Criteria 2017. Collection method: clinical testing. Allele origin: unknown.

GeneDx
Classification: Benign. Last evaluated: 2015-12-16. Review status: criteria provided, single submitter. Criteria: GeneDx Variant Classification (06012015). Collection method: clinical testing. Allele origin: germline. Affected: yes.
Comment: This variant is considered likely benign or benign based on one or more of the following criteria: it is a conservative change, it occurs at a poorly conserved position in the protein, it is predicted to be benign by multiple in silico algorithms, and/or has population frequency not consistent with disease.

Mayo Clinic Laboratories, Mayo Clinic
Classification: Benign. Last evaluated: 2016-02-19. Review status: no assertion criteria provided. Collection method: clinical testing. Allele origin: unknown. Not counted in ClinVar's aggregate classification.

Dr. Peter K. Rogan Lab, Western University
No classification provided (evidence only). Condition: Germ cell tumor of testis. Review status: no classification provided. Collection method: in vitro. Allele origin: not applicable. Functional consequence: retained intron. Not counted in ClinVar's aggregate classification.

Dr. Peter K. Rogan Lab, Western University
No classification provided (evidence only). Condition: Hepatocellular carcinoma. Review status: no classification provided. Collection method: in vitro. Allele origin: not applicable. Functional consequence: retained intron. Not counted in ClinVar's aggregate classification.

Dr. Peter K. Rogan Lab, Western University
No classification provided (evidence only). Condition: Hepatocellular carcinoma. Review status: no classification provided. Collection method: in vitro. Allele origin: not applicable. Functional consequence: retained intron. Not counted in ClinVar's aggregate classification.

Dr. Peter K. Rogan Lab, Western University
No classification provided (evidence only). Condition: Hepatocellular carcinoma. Review status: no classification provided. Collection method: in vitro. Allele origin: not applicable. Functional consequence: retained intron. Not counted in ClinVar's aggregate classification.

Dr. Peter K. Rogan Lab, Western University
No classification provided (evidence only). Condition: Hepatocellular carcinoma. Review status: no classification provided. Collection method: in vitro. Allele origin: not applicable. Functional consequence: retained intron. Not counted in ClinVar's aggregate classification.

Dr. Peter K. Rogan Lab, Western University
No classification provided (evidence only). Condition: Hepatocellular carcinoma. Review status: no classification provided. Collection method: in vitro. Allele origin: not applicable. Functional consequence: retained intron. Not counted in ClinVar's aggregate classification.

Dr. Peter K. Rogan Lab, Western University
No classification provided (evidence only). Condition: Hepatocellular carcinoma. Review status: no classification provided. Collection method: in vitro. Allele origin: not applicable. Functional consequence: retained intron. Not counted in ClinVar's aggregate classification.

Dr. Peter K. Rogan Lab, Western University
No classification provided (evidence only). Condition: Hepatocellular carcinoma. Review status: no classification provided. Collection method: in vitro. Allele origin: not applicable. Functional consequence: retained intron. Not counted in ClinVar's aggregate classification.

Dr. Peter K. Rogan Lab, Western University
No classification provided (evidence only). Condition: Hepatocellular carcinoma. Review status: no classification provided. Collection method: in vitro. Allele origin: not applicable. Functional consequence: retained intron. Not counted in ClinVar's aggregate classification.

Dr. Peter K. Rogan Lab, Western University
No classification provided (evidence only). Condition: Hepatocellular carcinoma. Review status: no classification provided. Collection method: in vitro. Allele origin: not applicable. Functional consequence: retained intron. Not counted in ClinVar's aggregate classification.

Dr. Peter K. Rogan Lab, Western University
No classification provided (evidence only). Condition: Hepatocellular carcinoma. Review status: no classification provided. Collection method: in vitro. Allele origin: not applicable. Functional consequence: retained intron. Not counted in ClinVar's aggregate classification.

Dr. Peter K. Rogan Lab, Western University
No classification provided (evidence only). Condition: Hepatocellular carcinoma. Review status: no classification provided. Collection method: in vitro. Allele origin: not applicable. Functional consequence: retained intron. Not counted in ClinVar's aggregate classification.

Dr. Peter K. Rogan Lab, Western University
No classification provided (evidence only). Condition: Hepatocellular carcinoma. Review status: no classification provided. Collection method: in vitro. Allele origin: not applicable. Functional consequence: retained intron. Not counted in ClinVar's aggregate classification.

Dr. Peter K. Rogan Lab, Western University
No classification provided (evidence only). Condition: Hepatocellular carcinoma. Review status: no classification provided. Collection method: in vitro. Allele origin: not applicable. Functional consequence: retained intron. Not counted in ClinVar's aggregate classification.

NM_020442.6(VARS2):c.2038G>T (p.Val680Leu)

Genes: VARS2 (valyl-tRNA synthetase 2, mitochondrial; plus strand), LOC126859646 (MED14-independent group 3 enhancer GRCh37_chr6:30889690-30890889; plus strand). Cytogenetic location: 6p21.33.
Variant type: single nucleotide variant.
Coding change: c.2038G>T on transcript NM_020442.6 (MANE Select); coding-DNA position 2038, G replaced by T.
Protein change: p.Val680Leu; replaces valine 680 with leucine.
Molecular consequence: missense variant.
Genome position (GRCh38, 1-based): chr6:30,922,706, G>T. VCF-style: chr6-30922706-G-T. GRCh37 (hg19) VCF-style: chr6-30890483-G-T.
Other names: c.1618G>T, p.Val540Leu (NM_001167733.3); c.2128G>T, p.Val710Leu (NM_001167734.2); short protein forms V680L, V710L, V540L.
Identifiers: ClinVar variation 380157 (VCV000380157.18), dbSNP rs2074506, ClinGen allele CA3706147.